The following is an entry in ClinVar:

NM_003060.4(SLC22A5):c.1451G>T (p.Gly484Val)

Gene: SLC22A5 (solute carrier family 22 member 5; plus strand). Cytogenetic location: 5q31.1.
Variant type: single nucleotide variant.
Coding change: c.1451G>T on transcript NM_003060.4 (MANE Select); coding-DNA position 1451, G replaced by T.
Protein change: p.Gly484Val; replaces glycine 484 with valine.
Molecular consequence: missense variant.
Genome position (GRCh38, 1-based): chr5:132,393,676, G>T. VCF-style: chr5-132393676-G-T. GRCh37 (hg19) VCF-style: chr5-131729368-G-T.
Other names: p.Gly484Val; c.1523G>T, p.Gly508Val (NM_001308122.2); short protein forms G484V, G508V.
Identifiers: ClinVar variation 203931 (VCV000203931.70), dbSNP rs28383480, ClinGen allele CA312956.

ClinVar aggregate classification (germline): Conflicting classifications of pathogenicity. Review status: criteria provided, conflicting classifications (1 of 4 stars). 13 submissions from 13 submitters: Likely pathogenic (1); Uncertain significance (9). 3 of the submissions do not count toward it. Last evaluated 2026-02-04.

Conditions:
SLC22A5-related disorder. Also called: SLC22A5-related condition.
Renal carnitine transport defect (CDSP). Also called: Systemic primary carnitine deficiency; Carnitine transporter deficiency; Carnitine Deficiency, Systemic; Primary carnitine deficiency; CARNITINE DEFICIENCY, SYSTEMIC, DUE TO DEFECT IN RENAL REABSORPTION OF CARNITINE; CARNITINE TRANSPORTER, PLASMA-MEMBRANE, DEFICIENCY OF. Identifiers: Orphanet 158, MedGen C0342788, MONDO:0008919, OMIM 212140.
High myopia. Also called: Severe Myopia. Identifiers: MedGen C0271183, HP:0011003.

Allele frequency attached by ClinVar (database versions not stated): TOPMed 0.00028; gnomAD exomes 0.00031 and 0.00046; ESP Exome Variant Server 0.00038; gnomAD 0.00039; ExAC 0.00048.
gnomAD v4.1: 520 of 1,614,140 alleles (0.032%); highest among the groups gnomAD compares: Non-Finnish European, 0.036%; no homozygotes.

Submissions (20):

GeneDx
Classification: Uncertain significance. Last evaluated: 2026-02-04. Review status: criteria provided, single submitter. Criteria: GeneDx Variant Classification Process June 2021. Collection method: clinical testing. Allele origin: germline. Affected: yes.
Comment: Reported previously in an individual with primary carnitine deficiency who had no second SLC22A5 variant (PMID: 28841266) and reported as a variant identified from exome sequencing analysis, however no additional information was provided (PMID: 26633542); Published functional studies demonstrate no damaging effect (PMID: 36343260); In silico analysis supports that this missense variant has a deleterious effect on protein structure/function; This variant is associated with the following publications: (PMID: 26828774, 18673259, 26633542, 28841266, 34426522, 36343260, 31275557, 28074886)

Mayo Clinic Laboratories, Mayo Clinic
Classification: Uncertain significance. Last evaluated: 2025-10-10. Review status: criteria provided, single submitter. Criteria: ACMG Guidelines, 2015. Collection method: clinical testing. Allele origin: germline. Observed: 1 variant allele.

Blueprint Genetics
Classification: Uncertain significance. Last evaluated: 2024-11-15. Review status: criteria provided, single submitter. Criteria: ACMG Guidelines, 2015. Collection method: clinical testing. Allele origin: germline.

CeGaT Center for Human Genetics Tuebingen
Classification: Likely pathogenic. Last evaluated: 2024-05-01. Review status: criteria provided, single submitter. Criteria: CeGaT Center For Human Genetics Tuebingen Variant Classification Criteria Version 2. Collection method: clinical testing. Allele origin: germline. Affected: yes. Observed: 3 variant alleles.
Comment: SLC22A5: PP4:Strong, PM2, PM3:Supporting

Women's Health and Genetics/Laboratory Corporation of America, LabCorp
Classification: Uncertain significance. Last evaluated: 2024-04-01. Review status: criteria provided, single submitter. Criteria: LabCorp Variant Classification Summary - May 2015. Collection method: clinical testing. Allele origin: germline.
Comment: Variant summary: SLC22A5 c.1451G>T (p.Gly484Val) results in a non-conservative amino acid change located in the Major facilitator superfamily domain (IPR020846) of the encoded protein sequence. Three of five in-silico tools predict a damaging effect of the variant on protein function. Several computational tools predict a significant impact on normal splicing: Three predict the variant weakens a 3' acceptor site. However, these predictions have yet to be confirmed by functional studies. The variant allele was found at a frequency of 0.00046 in 251436 control chromosomes. This frequency is not significantly higher than estimated for a pathogenic variant in SLC22A5 causing Systemic Primary Carnitine Deficiency (0.00046 vs 0.0046), allowing no conclusion about variant significance. c.1451G>T has been reported in the literature in individuals affected with Systemic Primary Carnitine Deficiency (e.g. Longo_2016, Frigeni_2017), "Abnormality of metabolism/homeostasis" (Retterer_2016), and Sudden Infant Death Syndrome (Neubauer_2017). These reports do not provide unequivocal conclusions about association of the variant with Systemic Primary Carnitine Deficiency. At least one publication reports experimental evidence evaluating an impact on protein function. These results showed no damaging effect of this variant. The following publications have been ascertained in the context of this evaluation (PMID: 26633542, 26828774, 28074886, 28841266, 36343260). ClinVar contains an entry for this variant (Variation ID: 203931). Based on the evidence outlined above, the variant was classified as uncertain significance.

Department of Pathology and Laboratory Medicine, Sinai Health System
Classification: Uncertain significance for Renal carnitine transport defect. Last evaluated: 2023-04-06. Review status: criteria provided, single submitter. Criteria: ACMG Guidelines, 2015. Collection method: research. Allele origin: germline.

Labcorp Genetics (formerly Invitae), Labcorp
Classification: Uncertain significance for Renal carnitine transport defect. Last evaluated: 2022-10-18. Review status: criteria provided, single submitter. Criteria: Invitae Variant Classification Sherloc (09022015). Collection method: clinical testing. Allele origin: germline.
Comment: This sequence change replaces glycine, which is neutral and non-polar, with valine, which is neutral and non-polar, at codon 484 of the SLC22A5 protein (p.Gly484Val). This variant is present in population databases (rs28383480, gnomAD 0.1%), and has an allele count higher than expected for a pathogenic variant. This missense change has been observed in individual(s) with primary carnitine deficiency (PMID: 26828774). ClinVar contains an entry for this variant (Variation ID: 203931). Algorithms developed to predict the effect of missense changes on protein structure and function are either unavailable or do not agree on the potential impact of this missense change (SIFT: "Tolerated"; PolyPhen-2: "Probably Damaging"; Align-GVGD: "Class C0"). Algorithms developed to predict the effect of sequence changes on RNA splicing suggest that this variant may create or strengthen a splice site. In summary, the available evidence is currently insufficient to determine the role of this variant in disease. Therefore, it has been classified as a Variant of Uncertain Significance.

Giacomini Lab, University of California, San Francisco
Classification: Uncertain significance for Renal carnitine transport defect. Last evaluated: 2022-10-03. Review status: criteria provided, single submitter. Criteria: ACMG Guidelines, 2015. Collection method: research, in vitro. Allele origin: germline, not applicable.

Genome-Nilou Lab
Classification: Uncertain significance for Renal carnitine transport defect. Last evaluated: 2021-07-15. Review status: criteria provided, single submitter. Criteria: ACMG Guidelines, 2015. Collection method: clinical testing. Allele origin: germline. Affected: no.

Illumina Laboratory Services, Illumina
Classification: Uncertain significance for Renal carnitine transport defect. Last evaluated: 2017-04-27. Review status: criteria provided, single submitter. Criteria: ICSL Variant Classification Criteria 13 December 2019. Collection method: clinical testing. Allele origin: germline.
Comment: This variant was observed as part of a predisposition screen in an ostensibly healthy population. A literature search was performed for the gene, cDNA change, and amino acid change (where applicable). Publications were found based on this search. However, the evidence from the literature, in combination with allele frequency data from public databases where available, was not sufficient to rule this variant in or out of causing disease. Therefore, this variant is classified as a variant of unknown significance.

PreventionGenetics, part of Exact Sciences
Classification: Uncertain significance for SLC22A5-related condition. Last evaluated: 2024-08-27. Review status: no assertion criteria provided. Collection method: clinical testing. Allele origin: germline. Not counted in ClinVar's aggregate classification.
Comment: The SLC22A5 c.1451G>T variant is predicted to result in the amino acid substitution p.Gly484Val. This variant was reported in an individual with primary carnitine deficiency and another individual with an abnormality of metabolism/homeostasis; however, no additional segregation or functional evidence was provided (Longo et al. 2016. PubMed ID: 26828774; Retterer et al. 2016. PubMed ID: 26633542). This variant was also reported in a large Turkish sequencing project (Reported as c.1523G>T (p.Gly508Val) in Dataset 4 in Kars et al. 2021. PubMed ID: 34426522). This variant is reported in 0.12% of alleles in individuals of European (Finnish) descent in gnomAD. At this time, the clinical significance of this variant is uncertain due to the absence of conclusive functional and genetic evidence.

Natera, Inc.
Classification: Uncertain significance for Primary systemic carnitine deficiency. Last evaluated: 2020-09-16. Review status: no assertion criteria provided. Collection method: clinical testing. Allele origin: germline. Not counted in ClinVar's aggregate classification.

Institute of Human Genetics, Polish Academy of Sciences
Classification: Uncertain significance for Severe Myopia. Last evaluated: 2018-12-17. Review status: no assertion criteria provided. Collection method: research. Allele origin: unknown. Affected: yes. Not counted in ClinVar's aggregate classification.

Dr. Peter K. Rogan Lab, Western University
No classification provided (evidence only). Condition: Familial cancer of breast. Review status: no classification provided. Collection method: in vitro. Allele origin: not applicable. Functional consequence: skipped exon, retained intron. Not counted in ClinVar's aggregate classification.

Dr. Peter K. Rogan Lab, Western University
No classification provided (evidence only). Condition: Colon adenocarcinoma. Review status: no classification provided. Collection method: in vitro. Allele origin: not applicable. Functional consequence: skipped exon, retained intron. Not counted in ClinVar's aggregate classification.

Dr. Peter K. Rogan Lab, Western University
No classification provided (evidence only). Condition: Colorectal cancer. Review status: no classification provided. Collection method: in vitro. Allele origin: not applicable. Functional consequence: skipped exon, retained intron. Not counted in ClinVar's aggregate classification.

Dr. Peter K. Rogan Lab, Western University
No classification provided (evidence only). Condition: Ovarian serous cystadenocarcinoma. Review status: no classification provided. Collection method: in vitro. Allele origin: not applicable. Functional consequence: retained intron. Not counted in ClinVar's aggregate classification.

Dr. Peter K. Rogan Lab, Western University
No classification provided (evidence only). Condition: Ovarian serous cystadenocarcinoma. Review status: no classification provided. Collection method: in vitro. Allele origin: not applicable. Functional consequence: retained intron. Not counted in ClinVar's aggregate classification.

Dr. Peter K. Rogan Lab, Western University
No classification provided (evidence only). Condition: Ovarian serous cystadenocarcinoma. Review status: no classification provided. Collection method: in vitro. Allele origin: not applicable. Functional consequence: retained intron. Not counted in ClinVar's aggregate classification.

Dr. Peter K. Rogan Lab, Western University
No classification provided (evidence only). Condition: Gastric cancer. Review status: no classification provided. Collection method: in vitro. Allele origin: not applicable. Functional consequence: retained intron. Not counted in ClinVar's aggregate classification.

Literature cited by the submitters: PubMed 26633542 (cited by Mayo Clinic Laboratories, Mayo Clinic and Women's Health and Genetics/Laboratory Corporation of America, LabCorp); PubMed 26828774 (cited by 4 submitters); PubMed 28074886 (cited by Mayo Clinic Laboratories, Mayo Clinic and Women's Health and Genetics/Laboratory Corporation of America, LabCorp); PubMed 28841266 (cited by Mayo Clinic Laboratories, Mayo Clinic and Women's Health and Genetics/Laboratory Corporation of America, LabCorp); PubMed 36343260 (cited by Mayo Clinic Laboratories, Mayo Clinic and Women's Health and Genetics/Laboratory Corporation of America, LabCorp); PubMed 18673259 (cited by Illumina Laboratory Services, Illumina).